The following is an entry in ClinVar:

NM_003001.5(SDHC):c.268C>G (p.Leu90Val)

Gene: SDHC (succinate dehydrogenase complex subunit C; plus strand). Cytogenetic location: 1q23.3.
Variant type: single nucleotide variant.
Coding change: c.268C>G on transcript NM_003001.5 (MANE Select); coding-DNA position 268, C replaced by G.
Protein change: p.Leu90Val; replaces leucine 90 with valine.
Molecular consequence: missense variant. On other transcripts: non-coding transcript variant (1), intron variant (3).
Genome position (GRCh38, 1-based): chr1:161,356,703, C>G. VCF-style: chr1-161356703-C-G. GRCh37 (hg19) VCF-style: chr1-161326493-C-G.
Other names: c.166C>G, p.Leu56Val (NM_001035512.3); c.109C>G, p.Leu37Val (NM_001035513.3); c.388C>G, p.Leu130Val (NM_001407115.1); c.211C>G, p.Leu71Val (NM_001407116.1); c.205C>G, p.Leu69Val (NM_001407117.1); c.160C>G, p.Leu54Val (NM_001407118.1); c.157C>G, p.Leu53Val (NM_001407119.1, NM_001407120.1); c.242-5626C>G (NM_001035511.3); and 2 more; short protein forms L37V, L56V, L90V, L53V, L69V, L71V, L130V, L54V.
Identifiers: ClinVar variation 1054372 (VCV001054372.9), dbSNP rs771138203, ClinGen allele CA047177.

ClinVar aggregate classification (germline): Uncertain significance. Review status: criteria provided, multiple submitters, no conflicts (2 of 4 stars). 3 submissions from 3 submitters: Uncertain significance (3). Last evaluated 2024-07-02.

Conditions:
Gastrointestinal stromal tumor. Also called: Gastrointestinal stromal tumor, somatic; Gastrointestinal stroma tumor. Identifiers: Orphanet 44890, MedGen C0238198, MeSH D046152, MONDO:0011719, OMIM 606764, HP:0100723.
Pheochromocytoma/paraganglioma syndrome 3. Also called: GLOMUS TUMORS, FAMILIAL, 3; SDHC-Related Hereditary Paraganglioma-Pheochromocytoma Syndrome (Paragangliomas 3); Paragangliomas 3; SDHC-Related Hereditary Paraganglioma-Pheochromocytoma Syndrome. Identifiers: Orphanet 29072, MedGen C1854336, MONDO:0011544, OMIM 605373.
Hereditary cancer-predisposing syndrome. Also called: Tumor predisposition; Neoplastic Syndromes, Hereditary; Hereditary neoplastic syndrome; Hereditary Cancer Syndrome. Identifiers: Orphanet 140162, MedGen C0027672, MeSH D009386, MONDO:0015356.

Allele frequency attached by ClinVar (database versions not stated): ExAC 0.00001; gnomAD exomes 0.00001.

Submissions (3):

Labcorp Genetics (formerly Invitae), Labcorp
Classification: Uncertain significance for Pheochromocytoma/paraganglioma syndrome 3; Gastrointestinal stromal tumor. Last evaluated: 2024-07-02. Review status: criteria provided, single submitter. Criteria: Invitae Variant Classification Sherloc (09022015). Collection method: clinical testing. Allele origin: germline.
Comment: This sequence change replaces leucine, which is neutral and non-polar, with valine, which is neutral and non-polar, at codon 90 of the SDHC protein (p.Leu90Val). This variant is present in population databases (rs771138203, gnomAD 0.01%). This variant has not been reported in the literature in individuals affected with SDHC-related conditions. ClinVar contains an entry for this variant (Variation ID: 1054372). An algorithm developed to predict the effect of missense changes on protein structure and function (PolyPhen-2) suggests that this variant is likely to be tolerated. In summary, the available evidence is currently insufficient to determine the role of this variant in disease. Therefore, it has been classified as a Variant of Uncertain Significance.

Baylor Genetics
Classification: Uncertain significance for Gastrointestinal stromal tumor. Last evaluated: 2023-07-18. Review status: criteria provided, single submitter. Criteria: ACMG Guidelines, 2015. Collection method: clinical testing. Allele origin: unknown.

Ambry Genetics
Classification: Uncertain significance for Hereditary cancer-predisposing syndrome. Last evaluated: 2021-10-21. Review status: criteria provided, single submitter. Criteria: Ambry Variant Classification Scheme 2023. Collection method: clinical testing. Allele origin: germline.
Comment: The p.L90V variant (also known as c.268C>G), located in coding exon 5 of the SDHC gene, results from a C to G substitution at nucleotide position 268. The leucine at codon 90 is replaced by valine, an amino acid with highly similar properties. This amino acid position is highly conserved in available vertebrate species. In addition, the in silico prediction for this alteration is inconclusive. Since supporting evidence is limited at this time, the clinical significance of this alteration remains unclear.